The following is an entry in ClinVar:

ClinVar aggregate classification (germline): Uncertain significance (1 of 4 stars; one submission).

Submission:

Labcorp Genetics (formerly Invitae), Labcorp
Classification: Uncertain significance. Last evaluated: 2022-08-21. Review status: criteria provided, single submitter. Criteria: Invitae Variant Classification Sherloc (09022015). Collection method: clinical testing. Allele origin: germline.
Comment: This sequence change replaces arginine, which is basic and polar, with proline, which is neutral and non-polar, at codon 113 of the PUS3 protein (p.Arg113Pro). This variant is not present in population databases (gnomAD no frequency). This variant has not been reported in the literature in individuals affected with PUS3-related conditions. Algorithms developed to predict the effect of missense changes on protein structure and function (SIFT, PolyPhen-2, Align-GVGD) all suggest that this variant is likely to be disruptive. In summary, the available evidence is currently insufficient to determine the role of this variant in disease. Therefore, it has been classified as a Variant of Uncertain Significance.

NM_031307.4(PUS3):c.338G>C (p.Arg113Pro)

Genes: HYLS1 (HYLS1 centriolar and ciliogenesis associated; plus strand), PUS3 (pseudouridine synthase 3; minus strand). Cytogenetic location: 11q24.2.
Variant type: single nucleotide variant.
Coding change: c.338G>C on transcript NM_031307.4 (MANE Select); coding-DNA position 338, G replaced by C.
Protein change: p.Arg113Pro; replaces arginine 113 with proline.
Molecular consequence: missense variant. On other transcripts: intron variant (6).
Genome position (GRCh38, 1-based): chr11:125,895,947, C>G on the plus strand (G>C on the coding strand, the complement: PUS3 is on the minus strand). VCF-style: chr11-125895947-C-G. GRCh37 (hg19) VCF-style: chr11-125765842-C-G.
Other names: c.-80-3157C>G (NM_145014.3); c.-25-3397C>G (NM_001134793.2, NM_001377269.1); c.-22-3400C>G (NM_001424364.1, NM_001377270.1); c.-246-158G>C (NM_001271985.2); short protein forms R113P.
Identifiers: ClinVar variation 2118891 (VCV002118891.1), dbSNP rs1440895074, ClinGen allele CA383200411.
Genomic context (GRCh38, chr11:125,895,947, plus strand): 5'-AACAGTGTATTGGCCCTTACCTGTCCAAAGGCACTAACTCCTTTATCTGTTCTCCCACAT[C>G]GGTGATAGTTGGATGTCTGTCTGCTTTCTACTAGTCGAGTCTTGGTTAGAGCTTCAAACA-3'
Protein context (NP_112597.4, residues 103-123): VESRQTSNYH[Arg113Pro]CGRTDKGVSA